The following is an entry in ClinVar:

ClinVar aggregate classification (germline): Uncertain significance (1 of 4 stars; one submission).

Conditions:
Combined immunodeficiency due to DOCK8 deficiency (HIES2). Also called: HYPER-IgE RECURRENT INFECTION SYNDROME 2, AUTOSOMAL RECESSIVE; HYPER-IgE SYNDROME 2, AUTOSOMAL RECESSIVE, WITH RECURRENT INFECTIONS; HIES autosomal recessive; Hyper-IgE recurrent infection syndrome, autosomal recessive; DOCK8 Deficiency. Identifiers: Orphanet 217390, MedGen C4722305, MONDO:0009478, OMIM 243700.

Submission:

Labcorp Genetics (formerly Invitae), Labcorp
Classification: Uncertain significance for Hyper-Immunoglobulin E Syndrome, Autosomal Recessive. Last evaluated: 2019-03-07. Review status: criteria provided, single submitter. Criteria: Invitae Variant Classification Sherloc (09022015). Collection method: clinical testing. Allele origin: germline.
Comment: This variant results in a copy number gain of the genomic region encompassing exons 1-33 of the DOCK8 gene. The 5' end of this event is unknown as it extends beyond the assayed region for this gene and therefore may encompass additional genes. The 3' boundary is likely confined to intron 33 of the DOCK8 gene. As the precise location of this event is unknown, it may be in tandem or it may be located elsewhere in the genome. This variant has not been reported in the literature in individuals with DOCK8-related disease. In summary, the available evidence is currently insufficient to determine the role of this variant in disease. Therefore, it has been classified as a Variant of Uncertain Significance.

NC_000009.11:g.(?_214957)_(422155_?)dup

Genes: DOCK8-AS1 (DOCK8 antisense RNA 1; minus strand), DOCK8 (dedicator of cytokinesis 8; plus strand), LOC126860552 (BRD4-independent group 4 enhancer GRCh37_chr9:285795-286994; plus strand), LOC130001439 (ATAC-STARR-seq lymphoblastoid active region 28115; plus strand), LOC130001438 (ATAC-STARR-seq lymphoblastoid silent region 19723; plus strand) and 2 more. Cytogenetic location: 9p24.3.
Variant type: Duplication.
Identifiers: ClinVar variation 651254 (VCV000651254.3).